The following is an entry in ClinVar:

ClinVar aggregate classification (germline): Uncertain significance (1 of 4 stars; one submission).

Conditions:
Hereditary breast ovarian cancer syndrome. Also called: Hereditary breast and ovarian cancer syndrome (HBOC); Breast and ovarian cancer; BRCA1- and BRCA2-Associated Hereditary Breast and Ovarian Cancer; Hereditary breast and ovarian cancer syndrome; Hereditary breast and ovarian cancer; Hereditary breast and/or ovarian cancer syndrome. Identifiers: Orphanet 145, MedGen C0677776, MeSH D061325, MONDO:0003582. Disease mechanism: loss of function.

Submission:

Labcorp Genetics (formerly Invitae), Labcorp
Classification: Uncertain significance for Hereditary breast ovarian cancer syndrome. Last evaluated: 2023-02-18. Review status: criteria provided, single submitter. Criteria: Invitae Variant Classification Sherloc (09022015). Collection method: clinical testing. Allele origin: germline.
Comment: In summary, the available evidence is currently insufficient to determine the role of this variant in disease. Therefore, it has been classified as a Variant of Uncertain Significance. Advanced modeling of protein sequence and biophysical properties (such as structural, functional, and spatial information, amino acid conservation, physicochemical variation, residue mobility, and thermodynamic stability) performed at Invitae indicates that this missense variant is not expected to disrupt BRCA2 protein function. This variant has not been reported in the literature in individuals affected with BRCA2-related conditions. This variant is not present in population databases (gnomAD no frequency). This sequence change replaces methionine, which is neutral and non-polar, with isoleucine, which is neutral and non-polar, at codon 2235 of the BRCA2 protein (p.Met2235Ile).

NM_000059.4(BRCA2):c.6705G>T (p.Met2235Ile)

Gene: BRCA2 (BRCA2 DNA repair associated; plus strand). Cytogenetic location: 13q13.1.
Variant type: single nucleotide variant.
Coding change: c.6705G>T on transcript NM_000059.4 (MANE Select); coding-DNA position 6705, G replaced by T.
Protein change: p.Met2235Ile; replaces methionine 2235 with isoleucine.
Molecular consequence: missense variant. On other transcripts: non-coding transcript variant (1), intron variant (2).
Genome position (GRCh38, 1-based): chr13:32,341,060, G>T. VCF-style: chr13-32341060-G-T. GRCh37 (hg19) VCF-style: chr13-32915197-G-T.
Other names: c.6705G>T, p.Met2235Ile (NM_001406719.1, NM_001406720.1); c.1910-3498G>T (NM_001406721.1); c.425-3498G>T (NM_001406722.1); short protein forms M2235I.
Identifiers: ClinVar variation 2838591 (VCV002838591.3), dbSNP rs2548533922, ClinGen allele CA387790968.